The following is an entry in ClinVar:

NM_001267550.2(TTN):c.31927+2T>C

Gene: TTN (titin; minus strand). Cytogenetic location: 2q31.2.
Variant type: single nucleotide variant.
Coding change: c.31927+2T>C on transcript NM_001267550.2 (MANE Select); the canonical splice donor site of the intron after coding-DNA position 31927, T replaced by C.
Molecular consequence: splice donor variant. On other transcripts: intron variant (3).
Genome position (GRCh38, 1-based): chr2:178,689,513, A>G on the plus strand (T>C on the coding strand, the complement: TTN is on the minus strand). VCF-style: chr2-178689513-A-G. GRCh37 (hg19) VCF-style: chr2-179554240-A-G.
Other names: c.13283-47196T>C (NM_003319.4); c.13859-47196T>C (NM_133437.4); c.13658-47196T>C (NM_133432.3); c.28195+2T>C (NM_133378.4); c.30976+2T>C (NM_001256850.1).
Identifiers: ClinVar variation 1315301 (VCV001315301.2), dbSNP rs2154278303, ClinGen allele CA349556223.

ClinVar aggregate classification (germline): Uncertain significance (1 of 4 stars; one submission).

gnomAD v4.1: 1 of 1,608,634 alleles (0.000062%); highest among the groups gnomAD compares: Non-Finnish European, 0.000085%; no homozygotes.

Submission:

GeneDx
Classification: Uncertain significance. Last evaluated: 2020-01-23. Review status: criteria provided, single submitter. Criteria: GeneDx Variant Classification Process June 2021. Collection method: clinical testing. Allele origin: germline. Affected: yes.
Comment: Has not been previously published as pathogenic or benign to our knowledge; Not observed in large population cohorts (Lek et al., 2016); Canonical splice site variant with an unclear effect on protein function; Located in the I-band region; does not affect one of the constitutively expressed exons throughout the TTN gene which have been associated with DCM (Deo, 2016; Schafer et al., 2017)